The following is an entry in ClinVar:

NM_000632.4(ITGAM):c.1960T>G (p.Cys654Gly)

Gene: ITGAM (integrin subunit alpha M; plus strand). Cytogenetic location: 16p11.2.
Variant type: single nucleotide variant.
Coding change: c.1960T>G on transcript NM_000632.4 (MANE Select); coding-DNA position 1960, T replaced by G.
Protein change: p.Cys654Gly; replaces cysteine 654 with glycine.
Molecular consequence: missense variant.
Genome position (GRCh38, 1-based): chr16:31,321,585, T>G. VCF-style: chr16-31321585-T-G. GRCh37 (hg19) VCF-style: chr16-31332906-T-G.
Other names: c.1963T>G, p.Cys655Gly (NM_001145808.2); short protein forms C655G, C654G.
Identifiers: ClinVar variation 1967802 (VCV001967802.5), dbSNP rs2544489293, ClinGen allele CA395682524.

ClinVar aggregate classification (germline): Uncertain significance (1 of 4 stars; one submission).

Submission:

Labcorp Genetics (formerly Invitae), Labcorp
Classification: Uncertain significance. Last evaluated: 2025-10-13. Review status: criteria provided, single submitter. Criteria: Invitae Variant Classification Sherloc (09022015). Collection method: clinical testing. Allele origin: germline.
Comment: This sequence change replaces cysteine, which is neutral and slightly polar, with glycine, which is neutral and non-polar, at codon 654 of the ITGAM protein (p.Cys654Gly). This variant is not present in population databases (gnomAD no frequency). This variant has not been reported in the literature in individuals affected with ITGAM-related conditions. ClinVar contains an entry for this variant (Variation ID: 1967802). An algorithm developed to predict the effect of missense changes on protein structure and function (PolyPhen-2) suggests that this variant is likely to be disruptive. In summary, the available evidence is currently insufficient to determine the role of this variant in disease. Therefore, it has been classified as a Variant of Uncertain Significance.